The following is an entry in ClinVar:

NM_001379081.2(FREM1):c.2106G>A (p.Met702Ile)

Gene: FREM1 (FRAS1 related extracellular matrix 1; minus strand). Cytogenetic location: 9p22.3.
Variant type: single nucleotide variant.
Coding change: c.2106G>A on transcript NM_001379081.2 (MANE Select); coding-DNA position 2106, G replaced by A.
Protein change: p.Met702Ile; replaces methionine 702 with isoleucine.
Molecular consequence: missense variant. On other transcripts: non-coding transcript variant (2).
Genome position (GRCh38, 1-based): chr9:14,824,088, C>T on the plus strand (G>A on the coding strand, the complement: FREM1 is on the minus strand). VCF-style: chr9-14824088-C-T. GRCh37 (hg19) VCF-style: chr9-14824086-C-T.
Other names: c.2106G>A, p.Met702Ile (NM_144966.7); short protein forms M702I.
Identifiers: ClinVar variation 1443257 (VCV001443257.6), dbSNP rs1223115613, ClinGen allele CA372956778.

ClinVar aggregate classification (germline): Uncertain significance (1 of 4 stars; one submission).

Submission:

Labcorp Genetics (formerly Invitae), Labcorp
Classification: Uncertain significance. Last evaluated: 2021-11-11. Review status: criteria provided, single submitter. Criteria: Invitae Variant Classification Sherloc (09022015). Collection method: clinical testing. Allele origin: germline.
Comment: In summary, the available evidence is currently insufficient to determine the role of this variant in disease. Therefore, it has been classified as a Variant of Uncertain Significance. Algorithms developed to predict the effect of sequence changes on RNA splicing suggest that this variant may create or strengthen a splice site. Algorithms developed to predict the effect of missense changes on protein structure and function (SIFT, PolyPhen-2, Align-GVGD) all suggest that this variant is likely to be tolerated. This variant has not been reported in the literature in individuals affected with FREM1-related conditions. This variant is not present in population databases (gnomAD no frequency). This sequence change replaces methionine, which is neutral and non-polar, with isoleucine, which is neutral and non-polar, at codon 702 of the FREM1 protein (p.Met702Ile).